The following is an entry in ClinVar:

ClinVar aggregate classification (germline): Uncertain significance (1 of 4 stars; one submission).

Submission:

Ambry Genetics
Classification: Uncertain significance. Last evaluated: 2026-04-19. Review status: criteria provided, single submitter. Criteria: Ambry Variant Classification Scheme 2023. Collection method: clinical testing. Allele origin: germline.
Comment: The p.F317I variant (also known as c.949T>A), located in coding exon 7 of the RINT1 gene, results from a T to A substitution at nucleotide position 949. The phenylalanine at codon 317 is replaced by isoleucine, an amino acid with highly similar properties. This amino acid position is conserved. In addition, this alteration is predicted to be deleterious by in silico analysis. Based on the available evidence, the clinical significance of this variant remains unclear.

NM_021930.6(RINT1):c.949T>A (p.Phe317Ile)

Gene: RINT1 (RAD50 interactor 1; plus strand). Cytogenetic location: 7q22.3.
Variant type: single nucleotide variant.
Coding change: c.949T>A on transcript NM_021930.6 (MANE Select); coding-DNA position 949, T replaced by A.
Protein change: p.Phe317Ile; replaces phenylalanine 317 with isoleucine.
Molecular consequence: missense variant. On other transcripts: 5 prime UTR variant (1), non-coding transcript variant (1), intron variant (1).
Genome position (GRCh38, 1-based): chr7:105,548,663, T>A. VCF-style: chr7-105548663-T-A. GRCh37 (hg19) VCF-style: chr7-105189110-T-A.
Other names: c.715T>A, p.Phe239Ile (NM_001346599.2); c.-71T>A (NM_001346600.2); c.25T>A, p.Phe9Ile (NM_001346601.2); c.-27-1392T>A (NM_001346603.2); short protein forms F239I, F317I, F9I.
Identifiers: ClinVar variation 4863331 (VCV004863331.1).